The following is an entry in ClinVar:

ClinVar aggregate classification (germline): Conflicting classifications of pathogenicity. Review status: criteria provided, conflicting classifications (1 of 4 stars). 6 submissions from 6 submitters: Uncertain significance (3); Likely benign (3). Last evaluated 2026-04-08.

Conditions:
AP4E1-related disorder. Also called: AP4E1-related condition.
Hereditary spastic paraplegia 51. Also called: CEREBRAL PALSY, SPASTIC QUADRIPLEGIC, 4; Spastic paraplegia 51, autosomal recessive. Identifiers: Orphanet 280763, MedGen C3151056, MONDO:0013401, OMIM 613744.
Spastic paraplegia. Identifiers: MedGen C0037772, HP:0001258.

Allele frequency attached by ClinVar (database versions not stated): 1000 Genomes Project 0.00020; gnomAD exomes 0.00026 and 0.00034; 1000 Genomes Project 30x 0.00031; ESP Exome Variant Server 0.00031; gnomAD 0.00032 and 0.00034; TOPMed 0.00032; ExAC 0.00046.
gnomAD v4.1: 557 of 1,606,876 alleles (0.035%); highest among the groups gnomAD compares: Non-Finnish European, 0.042%; 1 homozygote.

Submissions (6):

PreventionGenetics, part of Exact Sciences
Classification: Likely benign for AP4E1-related condition. Last evaluated: 2026-04-08. Review status: criteria provided, single submitter. Criteria: ACMG Guidelines, 2015. Collection method: clinical testing. Allele origin: germline.
Comment: This variant is classified as likely benign based on ACMG/AMP sequence variant interpretation guidelines (Richards et al. 2015 PMID: 25741868, with internal and published modifications).

Labcorp Genetics (formerly Invitae), Labcorp
Classification: Uncertain significance for Spastic paraplegia. Last evaluated: 2026-01-12. Review status: criteria provided, single submitter. Criteria: Invitae Variant Classification Sherloc (09022015). Collection method: clinical testing. Allele origin: germline.
Comment: This sequence change replaces valine, which is neutral and non-polar, with isoleucine, which is neutral and non-polar, at codon 618 of the AP4E1 protein (p.Val618Ile). This variant is present in population databases (rs142215198, gnomAD 0.04%), including at least one homozygous and/or hemizygous individual. This missense change has been observed in individual(s) with intellectual disability (PMID: 25167861, 26544806). ClinVar contains an entry for this variant (Variation ID: 240837). An algorithm developed to predict the effect of missense changes on protein structure and function (PolyPhen-2) suggests that this variant is likely to be disruptive. In summary, the available evidence is currently insufficient to determine the role of this variant in disease. Therefore, it has been classified as a Variant of Uncertain Significance.

CeGaT Center for Human Genetics Tuebingen
Classification: Likely benign. Last evaluated: 2025-12-01. Review status: criteria provided, single submitter. Criteria: CeGaT Center For Human Genetics Tuebingen Variant Classification Criteria Version 2. Collection method: clinical testing. Allele origin: germline. Affected: yes. Observed: 4 variant alleles.
Comment: AP4E1: BP4

Mayo Clinic Laboratories, Mayo Clinic
Classification: Uncertain significance. Last evaluated: 2024-03-01. Review status: criteria provided, single submitter. Criteria: ACMG Guidelines, 2015. Collection method: clinical testing. Allele origin: germline. Observed: 1 variant allele.
Comment: BP4

GeneDx
Classification: Likely benign. Last evaluated: 2019-02-13. Review status: criteria provided, single submitter. Criteria: GeneDx Variant Classification Process June 2021. Collection method: clinical testing. Allele origin: germline. Affected: yes.
Comment: See Variant Classification Assertion Criteria.

Breakthrough Genomics
Classification: Uncertain significance. Review status: criteria provided, single submitter. Criteria: ACMG Guidelines, 2015. Collection method: not provided. Allele origin: germline. Inheritance: Autosomal recessive inheritance. Affected: yes.

Literature cited by the submitters: PubMed 25167861 (cited by Labcorp Genetics (formerly Invitae), Labcorp); PubMed 26544806 (cited by Labcorp Genetics (formerly Invitae), Labcorp and Mayo Clinic Laboratories, Mayo Clinic).

NM_007347.5(AP4E1):c.1852G>A (p.Val618Ile)

Gene: AP4E1 (adaptor related protein complex 4 subunit epsilon 1; plus strand). Cytogenetic location: 15q21.2.
Variant type: single nucleotide variant.
Coding change: c.1852G>A on transcript NM_007347.5 (MANE Select); coding-DNA position 1852, G replaced by A.
Protein change: p.Val618Ile; replaces valine 618 with isoleucine.
Molecular consequence: missense variant.
Genome position (GRCh38, 1-based): chr15:50,968,263, G>A. VCF-style: chr15-50968263-G-A. GRCh37 (hg19) VCF-style: chr15-51260460-G-A.
Other names: c.1627G>A, p.Val543Ile (NM_001252127.2); short protein forms V618I, V543I.
Identifiers: ClinVar variation 240837 (VCV000240837.37), dbSNP rs142215198, ClinGen allele CA7559184.
Genomic context (GRCh38, chr15:50,968,263, plus strand): 5'-TATATAATCTACTTAGGATAAATTTATTTAATTCCTAATTTTTGCTTAATTTTAATATAG[G>A]TAGATGCTTCTTTATCTTTTCTGGATGGTTTTGTGGCTGAAGGACTCAGTCAGGGTGCAG-3'
Protein context (NP_031373.2, residues 608-628): PVDRSCEDLV[Val618Ile]DASLSFLDGF